The following is an entry in ClinVar:

NM_004525.3(LRP2):c.4902G>C (p.Gln1634His)

Gene: LRP2 (LDL receptor related protein 2; minus strand). Cytogenetic location: 2q31.1.
Variant type: single nucleotide variant.
Coding change: c.4902G>C on transcript NM_004525.3 (MANE Select); coding-DNA position 4902, G replaced by C.
Protein change: p.Gln1634His; replaces glutamine 1634 with histidine.
Molecular consequence: missense variant.
Genome position (GRCh38, 1-based): chr2:169,235,858, C>G on the plus strand (G>C on the coding strand, the complement: LRP2 is on the minus strand). VCF-style: chr2-169235858-C-G. GRCh37 (hg19) VCF-style: chr2-170092368-C-G.
Other names: short protein forms Q1634H.
Identifiers: ClinVar variation 1999109 (VCV001999109.4), dbSNP rs2528352302, ClinGen allele CA349142051.

ClinVar aggregate classification (germline): Uncertain significance (1 of 4 stars; one submission).

Submission:

Labcorp Genetics (formerly Invitae), Labcorp
Classification: Uncertain significance. Last evaluated: 2022-06-07. Review status: criteria provided, single submitter. Criteria: Invitae Variant Classification Sherloc (09022015). Collection method: clinical testing. Allele origin: germline.
Comment: This sequence change replaces glutamine, which is neutral and polar, with histidine, which is basic and polar, at codon 1634 of the LRP2 protein (p.Gln1634His). In summary, the available evidence is currently insufficient to determine the role of this variant in disease. Therefore, it has been classified as a Variant of Uncertain Significance. Algorithms developed to predict the effect of sequence changes on RNA splicing suggest that this variant may disrupt the consensus splice site. Advanced modeling of protein sequence and biophysical properties (such as structural, functional, and spatial information, amino acid conservation, physicochemical variation, residue mobility, and thermodynamic stability) performed at Invitae indicates that this missense variant is expected to disrupt LRP2 protein function. This variant has not been reported in the literature in individuals affected with LRP2-related conditions. This variant is not present in population databases (gnomAD no frequency).